The following is an entry in ClinVar:

ClinVar aggregate classification (germline): Uncertain significance (1 of 4 stars; one submission).

Conditions:
Ataxia-telangiectasia syndrome (AT). Also called: Ataxia telangiectasia (A-T); LOUIS-BAR SYNDROME; Cerebello-oculocutaneous telangiectasia; Immunodeficiency with ataxia telangiectasia; Ataxia-telangiectasia, complementation group D; AT, COMPLEMENTATION GROUP C. Identifiers: Orphanet 100, MedGen C0004135, MONDO:0008840, OMIM 208900.

Submission:

Labcorp Genetics (formerly Invitae), Labcorp
Classification: Uncertain significance for Ataxia-telangiectasia syndrome. Last evaluated: 2022-09-28. Review status: criteria provided, single submitter. Criteria: Invitae Variant Classification Sherloc (09022015). Collection method: clinical testing. Allele origin: germline.
Comment: Algorithms developed to predict the effect of missense changes on protein structure and function (SIFT, PolyPhen-2, Align-GVGD) all suggest that this variant is likely to be disruptive. In summary, the available evidence is currently insufficient to determine the role of this variant in disease. Therefore, it has been classified as a Variant of Uncertain Significance. This variant has not been reported in the literature in individuals affected with ATM-related conditions. This variant is not present in population databases (gnomAD no frequency). This sequence change replaces alanine, which is neutral and non-polar, with proline, which is neutral and non-polar, at codon 3039 of the ATM protein (p.Ala3039Pro).

NM_000051.4(ATM):c.9115G>C (p.Ala3039Pro)

Genes: ATM (ATM serine/threonine kinase; plus strand), C11orf65 (chromosome 11 open reading frame 65; minus strand). Cytogenetic location: 11q22.3.
Variant type: single nucleotide variant.
Coding change: c.9115G>C on transcript NM_000051.4 (MANE Select); coding-DNA position 9115, G replaced by C.
Protein change: p.Ala3039Pro; replaces alanine 3039 with proline.
Molecular consequence: missense variant. On other transcripts: intron variant (2).
Genome position (GRCh38, 1-based): chr11:108,365,452, G>C. VCF-style: chr11-108365452-G-C. GRCh37 (hg19) VCF-style: chr11-108236179-G-C.
Other names: c.9115G>C, p.Ala3039Pro (NM_001351834.2); c.640+20468C>G (NM_001330368.2); c.694+20468C>G (NM_001351110.2); short protein forms A3039P.
Identifiers: ClinVar variation 1720634 (VCV001720634.6), dbSNP rs2137923705, ClinGen allele CA382532005.